The following is an entry in ClinVar:

NM_000101.4(CYBA):c.196G>T (p.Glu66Ter)

Gene: CYBA (cytochrome b-245 alpha chain; minus strand). Cytogenetic location: 16q24.2.
Variant type: single nucleotide variant.
Coding change: c.196G>T on transcript NM_000101.4 (MANE Select); coding-DNA position 196, G replaced by T.
Protein change: p.Glu66Ter; replaces glutamic acid 66 with a stop codon.
Molecular consequence: nonsense.
Genome position (GRCh38, 1-based): chr16:88,647,108, C>A on the plus strand (G>T on the coding strand, the complement: CYBA is on the minus strand). VCF-style: chr16-88647108-C-A. GRCh37 (hg19) VCF-style: chr16-88713516-C-A.
Other names: c.196G>T (NM_000101.3); short protein forms E66*.
Identifiers: ClinVar variation 2982344 (VCV002982344.4), dbSNP rs1344198103, ClinGen allele CA397064922.

ClinVar aggregate classification (germline): Pathogenic/Likely pathogenic. Review status: criteria provided, multiple submitters, no conflicts (2 of 4 stars). 2 submissions from 2 submitters: Pathogenic (1); Likely pathogenic (1). Last evaluated 2025-02-24.

Conditions:
Granulomatous disease, chronic, autosomal recessive, cytochrome b-negative. Also called: GRANULOMATOUS DISEASE, CHRONIC, AUTOSOMAL RECESSIVE, 4; Chronic granulomatous disease, autosomal, due to deficiency of CYBA; CGD DUE TO DEFICIENCY OF THE ALPHA SUBUNIT OF CYTOCHROME b; CGD, AUTOSOMAL RECESSIVE CYTOCHROME b-NEGATIVE; CYBA DEFICIENCY. Identifiers: Orphanet 379, MedGen C1856255, MONDO:0009308, OMIM 233690.
Chronic granulomatous disease. Identifiers: Orphanet 379, MedGen C0018203, MONDO:0018305.

Allele frequency attached by ClinVar (database versions not stated): gnomAD exomes below 0.00001.

Submissions (2):

Natera, Inc.
Classification: Likely pathogenic for Chronic granulomatous disease. Last evaluated: 2025-02-24. Review status: criteria provided, single submitter. Criteria: Natera Variant Classification Schema (03/2026). Collection method: clinical testing. Allele origin: germline.
Comment: The c.196G>T variant in CYBA is a nonsense variant predicted to introduce a stop codon at amino acid 66. This variant is expected to result in nonsense mediated decay, truncation, or a dysfunctional protein product. This variant is rare in the general population with a frequency below the threshold expected for the associated phenotype(s). Given the available evidence, this variant is classified as Likely Pathogenic.

Labcorp Genetics (formerly Invitae), Labcorp
Classification: Pathogenic for Granulomatous disease, chronic, autosomal recessive, cytochrome b-negative. Last evaluated: 2023-10-16. Review status: criteria provided, single submitter. Criteria: Invitae Variant Classification Sherloc (09022015). Collection method: clinical testing. Allele origin: germline.
Comment: This sequence change creates a premature translational stop signal (p.Glu66*) in the CYBA gene. It is expected to result in an absent or disrupted protein product. Loss-of-function variants in CYBA are known to be pathogenic (PMID: 10910929, 20167518, 22876374). This variant is not present in population databases (gnomAD no frequency). This variant has not been reported in the literature in individuals affected with CYBA-related conditions. Algorithms developed to predict the effect of sequence changes on RNA splicing suggest that this variant may disrupt the consensus splice site. For these reasons, this variant has been classified as Pathogenic.

Literature cited by the submitters: PubMed 10910929 (cited by Labcorp Genetics (formerly Invitae), Labcorp); PubMed 20167518 (cited by Labcorp Genetics (formerly Invitae), Labcorp); PubMed 22876374 (cited by Labcorp Genetics (formerly Invitae), Labcorp).